The following is an entry in ClinVar:

ClinVar aggregate classification (germline): Uncertain significance. Review status: criteria provided, multiple submitters, no conflicts (2 of 4 stars). 3 submissions from 3 submitters: Uncertain significance (3). Last evaluated 2026-01-02.

Conditions:
Dilated cardiomyopathy 1O (CMD1O). Also called: CARDIOMYOPATHY, DILATED, WITH VENTRICULAR TACHYCARDIA. Identifiers: Orphanet 154, MedGen C1837839, MONDO:0012062, OMIM 608569.
Cardiovascular phenotype. Identifiers: MedGen CN230736.

gnomAD v4.1: 8 of 1,611,874 alleles (0.0005%); highest among the groups gnomAD compares: Admixed American, 0.0084%; no homozygotes.

Submissions (3):

Labcorp Genetics (formerly Invitae), Labcorp
Classification: Uncertain significance for Dilated cardiomyopathy 1O. Last evaluated: 2026-01-02. Review status: criteria provided, single submitter. Criteria: Invitae Variant Classification Sherloc (09022015). Collection method: clinical testing. Allele origin: germline.
Comment: This sequence change falls in intron 5 of the ABCC9 gene. It does not directly change the encoded amino acid sequence of the ABCC9 protein. It affects a nucleotide within the consensus splice site. This variant is not present in population databases (gnomAD no frequency). This variant has not been reported in the literature in individuals affected with ABCC9-related conditions. ClinVar contains an entry for this variant (Variation ID: 2199303). Variants that disrupt the consensus splice site are a relatively common cause of aberrant splicing (PMID: 17576681, 9536098). Algorithms developed to predict the effect of sequence changes on RNA splicing suggest that this variant may disrupt the consensus splice site. In summary, the available evidence is currently insufficient to determine the role of this variant in disease. Therefore, it has been classified as a Variant of Uncertain Significance.

GeneDx
Classification: Uncertain significance. Last evaluated: 2023-11-09. Review status: criteria provided, single submitter. Criteria: GeneDx Variant Classification Process June 2021. Collection method: clinical testing. Allele origin: germline. Affected: yes.
Comment: Not observed at significant frequency in large population cohorts (gnomAD); In silico analysis supports a deleterious effect on splicing; Has not been previously published as pathogenic or benign to our knowledge

Ambry Genetics
Classification: Uncertain significance for Cardiovascular phenotype. Last evaluated: 2023-10-18. Review status: criteria provided, single submitter. Criteria: Ambry Variant Classification Scheme 2023. Collection method: clinical testing. Allele origin: germline.
Comment: The c.816+4A>T intronic variant results from an A to T substitution 4 nucleotides after coding exon 5 in the ABCC9 gene. This nucleotide position is well conserved in available vertebrate species. In silico splice site analysis predicts that this alteration will weaken the native splice donor site. Since supporting evidence is limited at this time, the clinical significance of this alteration remains unclear.

Literature cited by the submitters: PubMed 17576681 (cited by Labcorp Genetics (formerly Invitae), Labcorp); PubMed 9536098 (cited by Labcorp Genetics (formerly Invitae), Labcorp).

NM_020297.4(ABCC9):c.816+4A>T

Gene: ABCC9 (ATP binding cassette subfamily C member 9; minus strand). Cytogenetic location: 12p12.1.
Variant type: single nucleotide variant.
Coding change: c.816+4A>T on transcript NM_020297.4 (MANE Select); 4 bases into the intron after coding-DNA position 816, A replaced by T.
Molecular consequence: intron variant.
Genome position (GRCh38, 1-based): chr12:21,915,664, T>A on the plus strand (A>T on the coding strand, the complement: ABCC9 is on the minus strand). VCF-style: chr12-21915664-T-A. GRCh37 (hg19) VCF-style: chr12-22068598-T-A.
Other names: c.816+4A>T (NM_005691.2, NM_005691.4, NM_001377273.1); c.-48-2598A>T (NM_001377274.1).
Identifiers: ClinVar variation 2199303 (VCV002199303.6), dbSNP rs1401889093, ClinGen allele CA686440843.
Genomic context (GRCh38, chr12:21,915,664, plus strand): 5'-CCAGGTTCATGCCAACAGGACCATTCTCTGTAATTAAGCACATGGAAGACAGACGCTAAA[T>A]CACCTTTTGTTCTTCATATGCATCTTTCAGGCAAACATAATTTGTTACTGCTCTCATTGC-3'